The following is an entry in ClinVar:

ClinVar aggregate classification (germline): Uncertain significance (1 of 4 stars; one submission).

Conditions:
Lysinuric protein intolerance (LPI). Identifiers: Orphanet 470, MedGen C0268647, MONDO:0009109, OMIM 222700.

Submission:

Labcorp Genetics (formerly Invitae), Labcorp
Classification: Uncertain significance for Lysinuric protein intolerance. Last evaluated: 2024-06-25. Review status: criteria provided, single submitter. Criteria: Invitae Variant Classification Sherloc (09022015). Collection method: clinical testing. Allele origin: germline.
Comment: This variant, c.223_225del, results in the deletion of 1 amino acid(s) of the SLC7A7 protein (p.Ile75del), but otherwise preserves the integrity of the reading frame. This variant is not present in population databases (gnomAD no frequency). This variant has not been reported in the literature in individuals affected with SLC7A7-related conditions. Experimental studies and prediction algorithms are not available or were not evaluated, and the functional significance of this variant is currently unknown. In summary, the available evidence is currently insufficient to determine the role of this variant in disease. Therefore, it has been classified as a Variant of Uncertain Significance.

NM_003982.4(SLC7A7):c.223_225del (p.Ile75del)

Gene: SLC7A7 (solute carrier family 7 member 7; minus strand). Cytogenetic location: 14q11.2.
Variant type: Deletion.
Coding change: c.223_225del on transcript NM_003982.4 (MANE Select); coding-DNA positions 223 to 225, 3 bases deleted (ATC; older notation c.223_225delATC).
Protein change: p.Ile75del; deletes isoleucine 75.
Genome position (GRCh38, 1-based): chr14:22,813,174-22,813,176, GAT deleted on the plus strand (ATC on the coding strand, the reverse complement: SLC7A7 is on the minus strand); deleting any 3 consecutive bases within chr14:22,813,174-22,813,178 gives the same sequence; the c. name uses the placement nearest the transcript's 3' end. VCF-style (leftmost placement, unchanged base first): chr14-22813173-AGAT-A. GRCh37 (hg19) VCF-style: chr14-23282382-AGAT-A.
Other names: c.223_225del, p.Ile75del (NM_001126105.3, NM_001126106.4); short protein forms I75del.
Identifiers: ClinVar variation 3671209 (VCV003671209.2).
Genomic context (GRCh38, chr14:22,813,173, plus strand): 5'-TGGTGCCCAGTTCCGCATAACAAAGGGCCCCAAAGACGGAGAAGAGGCCCCCGACAGCCC[AGAT>A]GACCAGAGAGAGACCAAAGGAGGCACTGTATATGAGCACACCCTTGGGGGAAACAAAGAT-3'